The following is an entry in ClinVar:

ClinVar aggregate classification (germline): Uncertain significance. Review status: criteria provided, multiple submitters, no conflicts (2 of 4 stars). 3 submissions from 3 submitters: Uncertain significance (3). Last evaluated 2024-05-30.

Conditions:
Inborn genetic diseases. Identifiers: MedGen C0950123, MeSH D030342.
Infantile nephronophthisis (NPHP2). Also called: Nephronophthisis 2; Nephronophthisis 2, infantile. Identifiers: Orphanet 655, Orphanet 93591, MedGen C1865872, MONDO:0011190, OMIM 602088.

Allele frequency attached by ClinVar (database versions not stated): gnomAD exomes below 0.00001; gnomAD 0.00001.
gnomAD v4.1: 4 of 1,613,830 alleles (0.00025%); highest among the groups gnomAD compares: Non-Finnish European, 0.00034%; no homozygotes.

Submissions (3):

Fulgent Genetics
Classification: Uncertain significance for Infantile nephronophthisis. Last evaluated: 2024-05-30. Review status: criteria provided, single submitter. Criteria: ACMG Guidelines, 2015. Collection method: clinical testing. Allele origin: germline.

Ambry Genetics
Classification: Uncertain significance for Inborn genetic diseases. Last evaluated: 2024-03-31. Review status: criteria provided, single submitter. Criteria: Ambry Variant Classification Scheme 2023. Collection method: clinical testing. Allele origin: germline.

CeGaT Center for Human Genetics Tuebingen
Classification: Uncertain significance. Last evaluated: 2023-01-01. Review status: criteria provided, single submitter. Criteria: CeGaT Center For Human Genetics Tuebingen Variant Classification Criteria Version 2. Collection method: clinical testing. Allele origin: germline. Affected: yes. Observed: 1 variant allele.
Comment: INVS: PM2

NM_014425.5(INVS):c.360G>T (p.Leu120Phe)

Gene: INVS (inversin; plus strand). Cytogenetic location: 9q31.1.
Variant type: single nucleotide variant.
Coding change: c.360G>T on transcript NM_014425.5 (MANE Select); coding-DNA position 360, G replaced by T.
Protein change: p.Leu120Phe; replaces leucine 120 with phenylalanine.
Molecular consequence: missense variant. On other transcripts: 5 prime UTR variant (1), non-coding transcript variant (1).
Genome position (GRCh38, 1-based): chr9:100,226,148, G>T. VCF-style: chr9-100226148-G-T. GRCh37 (hg19) VCF-style: chr9-102988430-G-T.
Other names: c.72G>T, p.Leu24Phe (NM_001318381.2); c.-630G>T (NM_001318382.2); c.360G>T (NM_014425.2); short protein forms L120F, L24F.
Identifiers: ClinVar variation 2499097 (VCV002499097.30), dbSNP rs1564165860, ClinGen allele CA374359249.